The following is an entry in ClinVar:

ClinVar aggregate classification (germline): Uncertain significance (1 of 4 stars; one submission).

Conditions:
Primary ciliary dyskinesia. Also called: Ciliary dyskinesia. Identifiers: Orphanet 244, MedGen C0008780, MONDO:0016575, HP:0012265.

Allele frequency attached by ClinVar (database versions not stated): gnomAD exomes 0.00001; TOPMed 0.00001; ExAC 0.00002; gnomAD 0.00001.
gnomAD v4.1: 5 of 1,612,752 alleles (0.00031%); highest among the groups gnomAD compares: Admixed American, 0.005%; no homozygotes.

Submission:

Labcorp Genetics (formerly Invitae), Labcorp
Classification: Uncertain significance for Primary ciliary dyskinesia. Last evaluated: 2025-07-29. Review status: criteria provided, single submitter. Criteria: Invitae Variant Classification Sherloc (09022015). Collection method: clinical testing. Allele origin: germline.
Comment: This sequence change replaces proline, which is neutral and non-polar, with leucine, which is neutral and non-polar, at codon 92 of the DNAH8 protein (p.Pro92Leu). This variant is present in population databases (rs757958716, gnomAD 0.009%). This variant has not been reported in the literature in individuals affected with DNAH8-related conditions. ClinVar contains an entry for this variant (Variation ID: 2739725). An algorithm developed to predict the effect of missense changes on protein structure and function outputs the following: PolyPhen-2: "Not Available". The leucine amino acid residue is found in multiple mammalian species, which suggests that this missense change does not adversely affect protein function. In summary, the available evidence is currently insufficient to determine the role of this variant in disease. Therefore, it has been classified as a Variant of Uncertain Significance.

NM_001206927.2(DNAH8):c.275C>T (p.Pro92Leu)

Genes: DNAH8 (dynein axonemal heavy chain 8; plus strand), LOC126859667 (BRD4-independent group 4 enhancer GRCh37_chr6:38690326-38691525; plus strand). Cytogenetic location: 6p21.2.
Variant type: single nucleotide variant.
Coding change: c.275C>T on transcript NM_001206927.2 (MANE Select); coding-DNA position 275, C replaced by T.
Protein change: p.Pro92Leu; replaces proline 92 with leucine.
Molecular consequence: missense variant. On other transcripts: 5 prime UTR variant (1).
Genome position (GRCh38, 1-based): chr6:38,723,084, C>T. VCF-style: chr6-38723084-C-T. GRCh37 (hg19) VCF-style: chr6-38690860-C-T.
Other names: c.-292C>T (NM_001371.4); short protein forms P92L.
Identifiers: ClinVar variation 2739725 (VCV002739725.3), dbSNP rs757958716, ClinGen allele CA3787898.